The following is an entry in ClinVar:

ClinVar aggregate classification (germline): Uncertain significance (1 of 4 stars; one submission).

Conditions:
Early-infantile DEE. Also called: Early infantile epileptic encephalopathy; Early infantile epileptic encephalopathy with suppression bursts; Ohtahara syndrome. Identifiers: Orphanet 1934, MedGen C0393706, MONDO:0800491.

Allele frequency attached by ClinVar (database versions not stated): gnomAD exomes 0.00001; ExAC 0.00002.
gnomAD v4.1: 7 of 1,612,352 alleles (0.00043%); highest among the groups gnomAD compares: African/African-American, 0.004%; no homozygotes.

Submission:

Labcorp Genetics (formerly Invitae), Labcorp
Classification: Uncertain significance for Early-infantile DEE. Last evaluated: 2023-08-10. Review status: criteria provided, single submitter. Criteria: Invitae Variant Classification Sherloc (09022015). Collection method: clinical testing. Allele origin: germline.
Comment: This sequence change replaces valine, which is neutral and non-polar, with methionine, which is neutral and non-polar, at codon 1100 of the SCN8A protein (p.Val1100Met). This variant is present in population databases (rs754870866, gnomAD 0.007%). This variant has not been reported in the literature in individuals affected with SCN8A-related conditions. Advanced modeling of protein sequence and biophysical properties (such as structural, functional, and spatial information, amino acid conservation, physicochemical variation, residue mobility, and thermodynamic stability) performed at Invitae indicates that this missense variant is not expected to disrupt SCN8A protein function. In summary, the available evidence is currently insufficient to determine the role of this variant in disease. Therefore, it has been classified as a Variant of Uncertain Significance.

NM_001330260.2(SCN8A):c.3298G>A (p.Val1100Met)

Gene: SCN8A (sodium voltage-gated channel alpha subunit 8; plus strand). Cytogenetic location: 12q13.13.
Variant type: single nucleotide variant.
Coding change: c.3298G>A on transcript NM_001330260.2 (MANE Select); coding-DNA position 3298, G replaced by A.
Protein change: p.Val1100Met; replaces valine 1100 with methionine.
Molecular consequence: missense variant.
Genome position (GRCh38, 1-based): chr12:51,769,261, G>A. VCF-style: chr12-51769261-G-A. GRCh37 (hg19) VCF-style: chr12-52163045-G-A.
Other names: c.3298G>A, p.Val1100Met (NM_001177984.3, NM_001369788.1, NM_014191.4); short protein forms V1100M.
Identifiers: ClinVar variation 2732738 (VCV002732738.3), dbSNP rs754870866, ClinGen allele CA6571574.